The following is an entry in ClinVar:

ClinVar aggregate classification (germline): Likely benign. Review status: criteria provided, single submitter (1 of 4 stars). 2 submissions from 2 submitters: Likely benign (1). 1 of the submissions does not count toward it. Last evaluated 2025-06-22.

Conditions:
PCNT-related disorder. Also called: PCNT-related condition.

Allele frequency attached by ClinVar (database versions not stated): TOPMed 0.00005; gnomAD exomes 0.00001; gnomAD 0.00005.
gnomAD v4.1: 17 of 1,613,844 alleles (0.0011%); highest among the groups gnomAD compares: Admixed American, 0.018%; no homozygotes.

Submissions (2):

Labcorp Genetics (formerly Invitae), Labcorp
Classification: Likely benign. Last evaluated: 2025-06-22. Review status: criteria provided, single submitter. Criteria: Invitae Variant Classification Sherloc (09022015). Collection method: clinical testing. Allele origin: germline.

PreventionGenetics, part of Exact Sciences
Classification: Likely benign for PCNT-related condition. Last evaluated: 2023-12-30. Review status: no assertion criteria provided. Collection method: clinical testing. Allele origin: germline. Not counted in ClinVar's aggregate classification.
Comment: This variant is classified as likely benign based on ACMG/AMP sequence variant interpretation guidelines (Richards et al. 2015 PMID: 25741868, with internal and published modifications).

NM_006031.6(PCNT):c.3627A>G (p.Thr1209=)

Gene: PCNT (pericentrin; plus strand). Cytogenetic location: 21q22.3.
Variant type: single nucleotide variant.
Coding change: c.3627A>G on transcript NM_006031.6 (MANE Select); coding-DNA position 3627, A replaced by G.
Protein change: p.Thr1209=; no amino-acid change (threonine 1209 retained).
Molecular consequence: synonymous variant.
Genome position (GRCh38, 1-based): chr21:46,389,218, A>G. VCF-style: chr21-46389218-A-G. GRCh37 (hg19) VCF-style: chr21-47809133-A-G.
Other names: c.3273A>G, p.Thr1091= (NM_001315529.2); c.3627A>G (NM_006031.5).
Identifiers: ClinVar variation 2885352 (VCV002885352.4), dbSNP rs369482975, ClinGen allele CA322029560.